The following is an entry in ClinVar:

ClinVar aggregate classification (germline): Uncertain significance (1 of 4 stars; one submission).

Conditions:
Dyskeratosis congenita. Identifiers: Orphanet 1775, MedGen C0265965, MONDO:0015780.

Allele frequency attached by ClinVar (database versions not stated): TOPMed 0.00002; gnomAD 0.00003.
gnomAD v4.1: 16 of 1,613,124 alleles (0.00099%); highest among the groups gnomAD compares: African/African-American, 0.004%; no homozygotes.

Submission:

Labcorp Genetics (formerly Invitae), Labcorp
Classification: Uncertain significance for Dyskeratosis congenita. Last evaluated: 2024-09-21. Review status: criteria provided, single submitter. Criteria: Invitae Variant Classification Sherloc (09022015). Collection method: clinical testing. Allele origin: germline.
Comment: This sequence change replaces arginine, which is basic and polar, with glutamine, which is neutral and polar, at codon 393 of the CTC1 protein (p.Arg393Gln). This variant is present in population databases (rs755414520, gnomAD 0.01%). This variant has not been reported in the literature in individuals affected with CTC1-related conditions. ClinVar contains an entry for this variant (Variation ID: 565551). Invitae Evidence Modeling of protein sequence and biophysical properties (such as structural, functional, and spatial information, amino acid conservation, physicochemical variation, residue mobility, and thermodynamic stability) indicates that this missense variant is not expected to disrupt CTC1 protein function with a negative predictive value of 80%. In summary, the available evidence is currently insufficient to determine the role of this variant in disease. Therefore, it has been classified as a Variant of Uncertain Significance.

NM_025099.6(CTC1):c.1178G>A (p.Arg393Gln)

Gene: CTC1 (CST telomere replication complex component 1; minus strand). Cytogenetic location: 17p13.1.
Variant type: single nucleotide variant.
Coding change: c.1178G>A on transcript NM_025099.6 (MANE Select); coding-DNA position 1178, G replaced by A.
Protein change: p.Arg393Gln; replaces arginine 393 with glutamine.
Molecular consequence: missense variant. On other transcripts: non-coding transcript variant (1).
Genome position (GRCh38, 1-based): chr17:8,235,859, C>T on the plus strand (G>A on the coding strand, the complement: CTC1 is on the minus strand). VCF-style: chr17-8235859-C-T. GRCh37 (hg19) VCF-style: chr17-8139177-C-T.
Other names: short protein forms R393Q.
Identifiers: ClinVar variation 565551 (VCV000565551.7), dbSNP rs755414520, ClinGen allele CA287537126.
Genomic context (GRCh38, chr17:8,235,859, plus strand): 5'-CTCTTTTTGTTATCAGCCCTGATCTCACATACCTGCAGACACACTCCAGGTCGCATCACC[C>T]GCCTAAGGCCACGGAACTGCTGGTAGGCAAGGCAGAGCCCCAGCTGCCCATCCAGCTCAT-3'
Protein context (NP_079375.3, residues 383-403): LAYQQFRGLR[Arg393Gln]VMRPGVCLQL